The following is an entry in ClinVar:

ClinVar aggregate classification (germline): Uncertain significance (1 of 4 stars; one submission).

Allele frequency attached by ClinVar (database versions not stated): gnomAD 0.00001 and 0.00002; ExAC 0.00002; TOPMed 0.00003; gnomAD exomes 0.00004 and 0.00010.
gnomAD v4.1: 156 of 1,614,024 alleles (0.0097%); highest among the groups gnomAD compares: Non-Finnish European, 0.012%; no homozygotes.

Submission:

Labcorp Genetics (formerly Invitae), Labcorp
Classification: Uncertain significance. Last evaluated: 2025-11-03. Review status: criteria provided, single submitter. Criteria: Invitae Variant Classification Sherloc (09022015). Collection method: clinical testing. Allele origin: germline.
Comment: This sequence change affects an acceptor splice site in intron 6 of the KIF20A gene. It is expected to disrupt RNA splicing. Variants that disrupt the donor or acceptor splice site typically lead to a loss of protein function (PMID: 16199547), however the current clinical and genetic evidence is not sufficient to establish whether loss-of-function variants in KIF20A cause disease. This variant is present in population databases (rs746290122, gnomAD 0.007%). This variant has not been reported in the literature in individuals affected with KIF20A-related conditions. ClinVar contains an entry for this variant (Variation ID: 1367135). Algorithms developed to predict the effect of sequence changes on RNA splicing suggest that this variant may disrupt the consensus splice site. In summary, the available evidence is currently insufficient to determine the role of this variant in disease. Therefore, it has been classified as a Variant of Uncertain Significance.

Literature cited by the submitters: PubMed 16199547.

NM_005733.3(KIF20A):c.703-2A>G

Gene: KIF20A (kinesin family member 20A; plus strand). Cytogenetic location: 5q31.2.
Variant type: single nucleotide variant.
Coding change: c.703-2A>G on transcript NM_005733.3 (MANE Select); the canonical splice acceptor site of the intron before coding-DNA position 703, A replaced by G.
Molecular consequence: splice acceptor variant.
Genome position (GRCh38, 1-based): chr5:138,182,859, A>G. VCF-style: chr5-138182859-A-G. GRCh37 (hg19) VCF-style: chr5-137518548-A-G.
Identifiers: ClinVar variation 1367135 (VCV001367135.5), dbSNP rs746290122, ClinGen allele CA3426383.